The following is an entry in ClinVar:

NM_000260.4(MYO7A):c.652G>C (p.Asp218His)

Gene: MYO7A (myosin VIIA; plus strand). Cytogenetic location: 11q13.5.
Variant type: single nucleotide variant.
Coding change: c.652G>C on transcript NM_000260.4 (MANE Select); coding-DNA position 652, G replaced by C.
Protein change: p.Asp218His; replaces aspartic acid 218 with histidine.
Molecular consequence: missense variant.
Genome position (GRCh38, 1-based): chr11:77,156,921, G>C. VCF-style: chr11-77156921-G-C. GRCh37 (hg19) VCF-style: chr11-76867967-G-C.
Other names: c.652G>C, p.Asp218His (NM_001127180.2); c.619G>C, p.Asp207His (NM_001369365.1); short protein forms D207H, D218H.
Identifiers: ClinVar variation 1120131 (VCV001120131.4), dbSNP rs201539845, ClinGen allele CA381932143.
Genomic context (GRCh38, chr11:77,156,921, plus strand): 5'-GCATTTGGGAATGCCAAGACCATCCGCAATGACAACTCAAGCCGTTTCGGAAAGTACATC[G>C]ACATCCACTTCAACAAGCGGGGCGCCATCGAGGGCGCGAAGATTGAGCAGTACCTGCTGG-3'
Protein context (NP_000251.3, residues 208-228): DNSSRFGKYI[Asp218His]IHFNKRGAIE

ClinVar aggregate classification (germline): Uncertain significance (1 of 4 stars; one submission).

Submission:

Laboratory for Molecular Medicine, Mass General Brigham Personalized Medicine
Classification: Uncertain significance. Last evaluated: 2020-11-04. Review status: criteria provided, single submitter. Criteria: LMM Criteria. Collection method: clinical testing. Allele origin: germline. Observed: 2 variant alleles.
Comment: The p.Asp218His variant in MYO7A has not been previously reported in individuals with hearing loss and was absent from large population studies. A different variant at the same position has been reported in association with autosomal dominant hearing loss and is classified as likely pathogenic (ClinVar variation ID: 29924, Sun 2011 PMID: 21150918, Iwasa 2016 PMID: 27911912, LMM data). Computational prediction tools and conservation analysis suggest that this variant may impact the protein, though this information is not predictive enough to determine pathogenicity. In summary, the clinical significance of this variant is uncertain. ACMG/AMP Criteria applied: PM5, PM2, PP3.